The following is an entry in ClinVar:

NM_021942.6(TRAPPC11):c.1234_1237del (p.Glu412fs)

Gene: TRAPPC11 (trafficking protein particle complex subunit 11; plus strand). Cytogenetic location: 4q35.1.
Variant type: Deletion.
Coding change: c.1234_1237del on transcript NM_021942.6 (MANE Select); coding-DNA positions 1234 to 1237, 4 bases deleted (GAAA; older notation c.1234_1237delGAAA).
Protein change: p.Glu412fs; shifts the reading frame from glutamic acid 412.
Molecular consequence: frameshift variant.
Genome position (GRCh38, 1-based): chr4:183,684,001-183,684,004, GAAA deleted; deleting any 4 consecutive bases within chr4:183,683,998-183,684,004 gives the same sequence; the c. name uses the placement nearest the transcript's 3' end. VCF-style (leftmost placement, unchanged base first): chr4-183683997-AAAAG-A. GRCh37 (hg19) VCF-style: chr4-184605150-AAAAG-A.
Other names: c.1234_1237del, p.Glu412fs (NM_199053.3); short protein forms E412fs.
Identifiers: ClinVar variation 4710613 (VCV004710613.1).
Genomic context (GRCh38, chr4:183,683,997, plus strand): 5'-TGAGCTGTCTAAAATGAGTTGTGTCTCATCTTACGCAGGTTTTGATCTTTCTGATCCTGA[AAAAG>A]AAAAGGTGGGAATTCTTGCCATTCAGCTGAAGGAGAGAAATGTTGTTCACTCTGTAAGTT-3'

ClinVar aggregate classification (germline): Pathogenic (1 of 4 stars; one submission).

Conditions:
Autosomal recessive limb-girdle muscular dystrophy type R18 (LGMDR18). Also called: Limb-girdle muscular dystrophy, type 2S; MUSCULAR DYSTROPHY, LIMB-GIRDLE, AUTOSOMAL RECESSIVE 18; Autosomal recessive limb-girdle muscular dystrophy type 2S. Identifiers: Orphanet 369840, MedGen C4517996, MONDO:0014144, OMIM 615356.

Submission:

Labcorp Genetics (formerly Invitae), Labcorp
Classification: Pathogenic for Autosomal recessive limb-girdle muscular dystrophy type R18. Last evaluated: 2026-01-17. Review status: criteria provided, single submitter. Criteria: Invitae Variant Classification Sherloc (09022015). Collection method: clinical testing. Allele origin: germline.
Comment: This sequence change creates a premature translational stop signal (p.Glu412Argfs*9) in the TRAPPC11 gene. It is expected to result in an absent or disrupted protein product. Loss-of-function variants in TRAPPC11 are known to be pathogenic (PMID: 23830518, 26322222). This variant is not present in population databases (gnomAD no frequency). This variant has not been reported in the literature in individuals affected with TRAPPC11-related conditions. For these reasons, this variant has been classified as Pathogenic.

Literature cited by the submitters: PubMed 23830518; PubMed 26322222.